The following is an entry in ClinVar:

ClinVar aggregate classification (germline): Benign. Review status: criteria provided, single submitter (1 of 4 stars). 2 submissions from 2 submitters: Benign (1). 1 of the submissions does not count toward it. Last evaluated 2026-02-03.

Conditions:
ATRN-related disorder. Also called: ATRN-related condition.

Submissions (2):

Labcorp Genetics (formerly Invitae), Labcorp
Classification: Benign. Last evaluated: 2026-02-03. Review status: criteria provided, single submitter. Criteria: Invitae Variant Classification Sherloc (09022015). Collection method: clinical testing. Allele origin: germline.

PreventionGenetics, part of Exact Sciences
Classification: Benign for ATRN-related condition. Last evaluated: 2019-06-13. Review status: no assertion criteria provided. Collection method: clinical testing. Allele origin: germline. Not counted in ClinVar's aggregate classification.
Comment: This variant is classified as benign based on ACMG/AMP sequence variant interpretation guidelines (Richards et al. 2015 PMID: 25741868, with internal and published modifications).

NM_139321.3(ATRN):c.3417-3dup

Gene: ATRN (attractin; plus strand). Cytogenetic location: 20p13.
Variant type: Duplication.
Coding change: c.3417-3dup on transcript NM_139321.3 (MANE Select); 3 bases into the intron before coding-DNA position 3417, one base duplicated (C; older notation c.3417-3dupC).
Molecular consequence: intron variant.
Genome position (GRCh38, 1-based): chr20:3,596,374, C duplicated; the last of 7 consecutive C bases (chr20:3,596,368-3,596,374); duplicating any one gives the same sequence. VCF-style (leftmost placement, unchanged base first): chr20-3596367-T-TC. GRCh37 (hg19) VCF-style: chr20-3577014-T-TC.
Other names: c.3417-3dup (NM_001323332.2, NM_139322.4); c.3069-3dup (NM_001207047.3).
Identifiers: ClinVar variation 723716 (VCV000723716.10), dbSNP rs144892617, ClinGen allele CA9744542.